The following is an entry in ClinVar:

ClinVar aggregate classification (germline): Uncertain significance (1 of 4 stars; one submission).

Conditions:
Short-rib thoracic dysplasia 14 with polydactyly (SRTD14). Identifiers: Orphanet 397715, MedGen C4225286, MONDO:0014688, OMIM 616546.
Joubert syndrome 23 (JBTS23). Identifiers: Orphanet 475, MedGen C4084822, MONDO:0014664, OMIM 616490.

Allele frequency attached by ClinVar (database versions not stated): gnomAD exomes 0.00001; gnomAD 0.00002; TOPMed 0.00003; ExAC 0.00004.
gnomAD v4.1: 19 of 1,560,222 alleles (0.0012%); highest among the groups gnomAD compares: African/African-American, 0.0068%; no homozygotes.

Submission:

Labcorp Genetics (formerly Invitae), Labcorp
Classification: Uncertain significance for Joubert syndrome 23; Short-rib thoracic dysplasia 14 with polydactyly. Last evaluated: 2021-08-30. Review status: criteria provided, single submitter. Criteria: Invitae Variant Classification Sherloc (09022015). Collection method: clinical testing. Allele origin: germline.
Comment: This sequence change replaces arginine with glutamine at codon 1537 of the KIAA0586 protein (p.Arg1537Gln). The arginine residue is weakly conserved and there is a small physicochemical difference between arginine and glutamine. This variant is present in population databases (rs746312329, ExAC 0.008%). This variant has not been reported in the literature in individuals affected with KIAA0586-related conditions. Algorithms developed to predict the effect of missense changes on protein structure and function output the following: SIFT: "Tolerated"; PolyPhen-2: "Benign"; Align-GVGD: "Class C0". The glutamine amino acid residue is found in multiple mammalian species, which suggests that this missense change does not adversely affect protein function. In summary, the available evidence is currently insufficient to determine the role of this variant in disease. Therefore, it has been classified as a Variant of Uncertain Significance.

NM_001329943.3(KIAA0586):c.4451G>A (p.Arg1484Gln)

Gene: KIAA0586 (KIAA0586; plus strand). Cytogenetic location: 14q23.1.
Variant type: single nucleotide variant.
Coding change: c.4451G>A on transcript NM_001329943.3 (MANE Select); coding-DNA position 4451, G replaced by A.
Protein change: p.Arg1484Gln; replaces arginine 1484 with glutamine.
Molecular consequence: missense variant. On other transcripts: intron variant (2).
Genome position (GRCh38, 1-based): chr14:58,540,092, G>A. VCF-style: chr14-58540092-G-A. GRCh37 (hg19) VCF-style: chr14-59006810-G-A.
Other names: c.4610G>A, p.Arg1537Gln (NM_001244189.2); c.4406G>A, p.Arg1469Gln (NM_001244190.2); c.4196G>A, p.Arg1399Gln (NM_001244191.2, NM_001364701.2); c.4319G>A, p.Arg1440Gln (NM_001244192.2, NM_001329947.2); c.4451G>A, p.Arg1484Gln (NM_001329944.2); c.4223G>A, p.Arg1408Gln (NM_014749.5); c.4430-7689G>A (NM_001329946.2); c.4175-7689G>A (NM_001329945.2); short protein forms R1399Q, R1537Q, R1440Q, R1484Q, R1469Q, R1408Q.
Identifiers: ClinVar variation 1359000 (VCV001359000.3), dbSNP rs746312329, ClinGen allele CA7206406.